The following is an entry in ClinVar:

ClinVar aggregate classification (germline): Uncertain significance (1 of 4 stars; one submission).

Conditions:
Hereditary pheochromocytoma and paraganglioma. Also called: Hereditary paragangliomas and pheochromocytomas; Hereditary Paraganglioma-Pheochromocytoma Syndromes; Hereditary pheochromocytoma-paraganglioma. Identifiers: Orphanet 29072, MedGen C4274332, MONDO:0017366.

Submission:

Labcorp Genetics (formerly Invitae), Labcorp
Classification: Uncertain significance for Hereditary pheochromocytoma and paraganglioma. Last evaluated: 2021-05-21. Review status: criteria provided, single submitter. Criteria: Invitae Variant Classification Sherloc (09022015). Collection method: clinical testing. Allele origin: germline.
Comment: This variant has not been reported in the literature in individuals with TMEM127-related conditions. Algorithms developed to predict the effect of missense changes on protein structure and function are either unavailable or do not agree on the potential impact of this missense change (SIFT: "Deleterious"; PolyPhen-2: "Benign"; Align-GVGD: "Class C0"). In summary, the available evidence is currently insufficient to determine the role of this variant in disease. Therefore, it has been classified as a Variant of Uncertain Significance. This sequence change replaces proline with alanine at codon 51 of the TMEM127 protein (p.Pro51Ala). The proline residue is highly conserved and there is a small physicochemical difference between proline and alanine. This variant is not present in population databases (ExAC no frequency).

NM_017849.4(TMEM127):c.151C>G (p.Pro51Ala)

Gene: TMEM127 (transmembrane protein 127; minus strand). Cytogenetic location: 2q11.2.
Variant type: single nucleotide variant.
Coding change: c.151C>G on transcript NM_017849.4 (MANE Select); coding-DNA position 151, C replaced by G.
Protein change: p.Pro51Ala; replaces proline 51 with alanine.
Molecular consequence: missense variant.
Genome position (GRCh38, 1-based): chr2:96,265,231, G>C on the plus strand (C>G on the coding strand, the complement: TMEM127 is on the minus strand). VCF-style: chr2-96265231-G-C. GRCh37 (hg19) VCF-style: chr2-96930969-G-C.
Other names: c.151C>G, p.Pro51Ala (NM_001193304.3); short protein forms P51A.
Identifiers: ClinVar variation 1355910 (VCV001355910.8), dbSNP rs2104307726, ClinGen allele CA347656015.
Genomic context (GRCh38, chr2:96,265,231, plus strand): 5'-CGTCGGAGACCCCCAGCTCCTGGCGCGAACAGGTGCCTCCGTGGATGTGCAACCAGGCGG[G>C]CTCGGCGAGGGCAGTGCACAGCGCCGTGATAGACAGGGCGCCAGGCAGGGCCGAGGCCAG-3'
Protein context (NP_060319.1, residues 41-61): ITALCTALAE[Pro51Ala]AWLHIHGGTC